The following is an entry in ClinVar:

ClinVar aggregate classification (germline): Conflicting classifications of pathogenicity. Review status: criteria provided, conflicting classifications (1 of 4 stars). 2 submissions from 2 submitters: Uncertain significance (1); Likely benign (1). Last evaluated 2026-01-26.

Conditions:
Intellectual disability, autosomal recessive 53 (NEDHSCA). Also called: GLYCOSYLPHOSPHATIDYLINOSITOL BIOSYNTHESIS DEFECT 13; Mental retardation, autosomal recessive 53; NEURODEVELOPMENTAL DISORDER WITH OR WITHOUT HYPOTONIA, SEIZURES, AND CEREBELLAR ATROPHY. Identifiers: Orphanet 488635, MedGen C4310794, MONDO:0014832, OMIM 616917.

Allele frequency attached by ClinVar (database versions not stated): gnomAD exomes 0.00044 and 0.00046; ExAC 0.00055; TOPMed 0.00021; gnomAD 0.00044 and 0.00042; ESP Exome Variant Server 0.00062.
gnomAD v4.1: 710 of 1,609,382 alleles (0.044%); highest among the groups gnomAD compares: Non-Finnish European, 0.046%; no homozygotes.

Submissions (2):

Labcorp Genetics (formerly Invitae), Labcorp
Classification: Likely benign for Intellectual disability, autosomal recessive 53. Last evaluated: 2026-01-26. Review status: criteria provided, single submitter. Criteria: Invitae Variant Classification Sherloc (09022015). Collection method: clinical testing. Allele origin: germline.

GeneDx
Classification: Uncertain significance. Last evaluated: 2024-06-12. Review status: criteria provided, single submitter. Criteria: GeneDx Variant Classification Process June 2021. Collection method: clinical testing. Allele origin: germline.
Comment: In silico analysis supports that this missense variant does not alter protein structure/function; Has not been previously published as pathogenic or benign to our knowledge

NM_001127178.3(PIGG):c.24C>G (p.Phe8Leu)

Gene: PIGG (phosphatidylinositol glycan anchor biosynthesis class G (EMM blood group); plus strand). Cytogenetic location: 4p16.3.
Variant type: single nucleotide variant.
Coding change: c.24C>G on transcript NM_001127178.3 (MANE Select); coding-DNA position 24, C replaced by G.
Protein change: p.Phe8Leu; replaces phenylalanine 8 with leucine.
Molecular consequence: missense variant. On other transcripts: 5 prime UTR variant (9), non-coding transcript variant (10), intron variant (1).
Genome position (GRCh38, 1-based): chr4:499,359, C>G. VCF-style: chr4-499359-C-G. GRCh37 (hg19) VCF-style: chr4-493148-C-G.
Other names: c.24C>G, p.Phe8Leu (NM_001289052.2, NM_001345989.2, NM_017733.5); c.-802C>G (NM_001289053.2); c.-413C>G (NM_001289055.2); c.-480C>G (NM_001289057.2, NM_001345986.2, NM_001345987.2); c.-1100C>G (NM_001345988.2); c.-1602C>G (NM_001345990.2); c.-1700C>G (NM_001345991.2); c.-1425C>G (NM_001345994.2); and 1 more; short protein forms F8L.
Identifiers: ClinVar variation 772758 (VCV000772758.13), dbSNP rs140860254, ClinGen allele CA2792872.